The following is an entry in ClinVar:

NM_001123385.2(BCOR):c.2509C>G (p.Pro837Ala)

Gene: BCOR (BCL6 corepressor; minus strand). Cytogenetic location: Xp11.4.
Variant type: single nucleotide variant.
Coding change: c.2509C>G on transcript NM_001123385.2 (MANE Select); coding-DNA position 2509, C replaced by G.
Protein change: p.Pro837Ala; replaces proline 837 with alanine.
Molecular consequence: missense variant.
Genome position (GRCh38, 1-based): chrX:40,072,837, G>C on the plus strand (C>G on the coding strand, the complement: BCOR is on the minus strand). VCF-style: chrX-40072837-G-C. GRCh37 (hg19) VCF-style: chrX-39932090-G-C.
Other names: c.2509C>G, p.Pro837Ala (NM_001123383.2, NM_001123384.2, NM_017745.6); short protein forms P837A.
Identifiers: ClinVar variation 133684 (VCV000133684.1), dbSNP rs587778098, ClinGen allele CA157318.

ClinVar aggregate classification (germline): not provided (0 of 4 stars; one submission).

Allele frequency attached by ClinVar (database versions not stated): gnomAD 0.00001.
gnomAD v4.1: 8 of 1,209,835 alleles (0.00066%); highest among the groups gnomAD compares: Admixed American, 0.017%; no homozygotes.

Submission:

ITMI
No classification provided. Condition: AllHighlyPenetrant. Last evaluated: 2013-09-19. Review status: no classification provided. Collection method: reference population. Allele origin: germline.
Comment: Please see associated publication for description of ethnicities

Literature cited by the submitters: PubMed 24728327.